The following is an entry in ClinVar:

NM_001040142.2(SCN2A):c.425del (p.Asn142fs)

Gene: SCN2A (sodium voltage-gated channel alpha subunit 2; plus strand). Cytogenetic location: 2q24.3.
Variant type: Deletion.
Coding change: c.425del on transcript NM_001040142.2 (MANE Select); coding-DNA position 425, one base deleted (A; older notation c.425delA).
Protein change: p.Asn142fs; shifts the reading frame from asparagine 142.
Molecular consequence: frameshift variant.
Genome position (GRCh38, 1-based): chr2:165,307,886, A deleted; the last of 2 consecutive A bases (chr2:165,307,885-165,307,886); deleting either gives the same sequence. VCF-style (leftmost placement, unchanged base first): chr2-165307884-CA-C. GRCh37 (hg19) VCF-style: chr2-166164394-CA-C.
Other names: c.425delA (NM_021007.2); c.425del, p.Asn142fs (NM_001040143.2, NM_001371246.1, NM_001371247.1 and 1 more transcripts); short protein forms N142fs.
Identifiers: ClinVar variation 207079 (VCV000207079.1), dbSNP rs796053196, ClinGen allele CA318185.
Genomic context (GRCh38, chr2:165,307,884, plus strand): 5'-TTGTCTTCCTTGACGATATTCTACTTTATTCAATATGCTCATTATGTGCACGATTCTTAC[CA>C]ACTGTGTATTTATGACCATGAGTAACCCTCCAGACTGGACAAAGAATGTGGAGTAAGTAT-3'

ClinVar aggregate classification (germline): Pathogenic (1 of 4 stars; one submission).

Submission:

GeneDx
Classification: Pathogenic. Last evaluated: 2014-06-06. Review status: criteria provided, single submitter. Criteria: GeneDx Variant Classification (06012015). Collection method: clinical testing. Allele origin: germline. Affected: yes.
Comment: c.425delA: p.Asn142ThrfsX5 (N142TfsX5) in exon 4 of the SCN2A gene (NM_021007.2). The normal sequence with the base that is deleted in braces is ACCA{A}CTGT. The c.425delA mutation in the SCN2A gene causes a frameshift starting with codon Asparagine142, changes this amino acid to a Threonine residue and creates a premature Stop codon at position 5 of the new reading frame, denoted p.Asn142ThrfsX5. This mutation is predicted to cause loss of normal protein function either through protein truncation or nonsense-mediated mRNA decay. The variant is found in INFANT-EPI panel(s).